The following is an entry in ClinVar:

NM_000321.3(RB1):c.453del (p.Leu151_Leu152insTer)

Gene: RB1 (RB transcriptional corepressor 1; plus strand). Cytogenetic location: 13q14.2.
Variant type: Deletion.
Coding change: c.453del on transcript NM_000321.3 (MANE Select); coding-DNA position 453, one base deleted (G; older notation c.453delG).
Protein change: p.Leu151_Leu152insTer.
Molecular consequence: frameshift variant.
Genome position (GRCh38, 1-based): chr13:48,345,152, G deleted. VCF-style (leftmost placement, unchanged base first): chr13-48345151-TG-T. GRCh37 (hg19) VCF-style: chr13-48919287-TG-T.
Other names: c.453delG (NM_000321.3).
Identifiers: ClinVar variation 995883 (VCV000995883.2), dbSNP rs2138087597, ClinGen allele CA2499222430.
Genomic context (GRCh38, chr13:48,345,151, plus strand): 5'-TCTTTAACTTACTAAAAGAAATTGATACCAGTACCAAAGTTGATAATGCTATGTCAAGAC[TG>T]TTGAAGAAGTATGATGTATTGTTTGCACTCTTCAGCAAATTGGAAAGGTAAAGTAAACAT-3'

ClinVar aggregate classification (germline): Pathogenic. Review status: criteria provided, multiple submitters, no conflicts (2 of 4 stars). 2 submissions from 2 submitters: Pathogenic (2). Last evaluated 2024-05-20.

Conditions:
Retinoblastoma (RB1). Also called: RETINOBLASTOMA, SOMATIC. Identifiers: Orphanet 790, MedGen C0035335, MeSH D012175, MONDO:0008380, OMIM 180200, HP:0009919. Disease mechanism: loss of function. Inheritance: Both sporadic and heritable forms are tested..

Submissions (2):

Genetic Diagnostic Laboratory, University of Pennsylvania School of Medicine
Classification: Pathogenic for Retinoblastoma. Last evaluated: 2024-05-20. Review status: criteria provided, single submitter. Criteria: ACMG Guidelines, 2015. Collection method: clinical testing. Allele origin: germline. Affected: yes. Observed: 1 variant allele.
Comment: Case and Pedigree Information: BILATERAL CASES:1, UNILATERAL CASES:0, TOTAL CASES:1, PEDIGREES:1. ACMG Codes Applied:PVS1, PM2

Department of Pediatrics, Memorial Sloan Kettering Cancer Center
Classification: Pathogenic for Retinoblastoma. Last evaluated: 2020-12-15. Review status: criteria provided, single submitter. Criteria: ACMG Guidelines, 2015. Collection method: research. Allele origin: germline. Affected: yes.

Literature cited by the submitters: PubMed 28873162 (cited by Department of Pediatrics, Memorial Sloan Kettering Cancer Center).